The following is an entry in ClinVar:

NM_005529.7(HSPG2):c.803T>A (p.Val268Asp)

Gene: HSPG2 (heparan sulfate proteoglycan 2; minus strand). Cytogenetic location: 1p36.12.
Variant type: single nucleotide variant.
Coding change: c.803T>A on transcript NM_005529.7 (MANE Select); coding-DNA position 803, T replaced by A.
Protein change: p.Val268Asp; replaces valine 268 with aspartic acid.
Molecular consequence: missense variant.
Genome position (GRCh38, 1-based): chr1:21,887,575, A>T on the plus strand (T>A on the coding strand, the complement: HSPG2 is on the minus strand). VCF-style: chr1-21887575-A-T. GRCh37 (hg19) VCF-style: chr1-22214068-A-T.
Other names: c.803T>A, p.Val268Asp (NM_001291860.2); c.803T>A (NM_005529.5); short protein forms V268D.
Identifiers: ClinVar variation 2416167 (VCV002416167.6), dbSNP rs779813393, ClinGen allele CA673694.

ClinVar aggregate classification (germline): Uncertain significance. Review status: criteria provided, multiple submitters, no conflicts (2 of 4 stars). 2 submissions from 2 submitters: Uncertain significance (2). Last evaluated 2024-10-15.

Conditions:
Inborn genetic diseases. Identifiers: MedGen C0950123, MeSH D030342.

Allele frequency attached by ClinVar (database versions not stated): TOPMed below 0.00001; gnomAD exomes 0.00001; gnomAD 0.00002; ExAC 0.00004.
gnomAD v4.1: 24 of 1,613,932 alleles (0.0015%); highest among the groups gnomAD compares: South Asian, 0.024%; no homozygotes.

Submissions (2):

Labcorp Genetics (formerly Invitae), Labcorp
Classification: Uncertain significance. Last evaluated: 2024-10-15. Review status: criteria provided, single submitter. Criteria: Invitae Variant Classification Sherloc (09022015). Collection method: clinical testing. Allele origin: germline.
Comment: This sequence change replaces valine, which is neutral and non-polar, with aspartic acid, which is acidic and polar, at codon 268 of the HSPG2 protein (p.Val268Asp). This variant is present in population databases (rs779813393, gnomAD 0.02%). This variant has not been reported in the literature in individuals affected with HSPG2-related conditions. ClinVar contains an entry for this variant (Variation ID: 2416167). An algorithm developed to predict the effect of missense changes on protein structure and function outputs the following: PolyPhen-2: "Benign". The aspartic acid amino acid residue is found in multiple mammalian species, which suggests that this missense change does not adversely affect protein function. In summary, the available evidence is currently insufficient to determine the role of this variant in disease. Therefore, it has been classified as a Variant of Uncertain Significance.

Ambry Genetics
Classification: Uncertain significance for Inborn genetic diseases. Last evaluated: 2023-10-13. Review status: criteria provided, single submitter. Criteria: Ambry Variant Classification Scheme 2023. Collection method: clinical testing. Allele origin: germline.